The following is an entry in ClinVar:

ClinVar aggregate classification (germline): Benign/Likely benign. Review status: criteria provided, multiple submitters, no conflicts (2 of 4 stars). 2 submissions from 2 submitters: Benign (1); Likely benign (1). Last evaluated 2025-02-24.

Conditions:
Hereditary cancer-predisposing syndrome. Also called: Hereditary Cancer Syndrome; Hereditary neoplastic syndrome; Neoplastic Syndromes, Hereditary; Tumor predisposition. Identifiers: Orphanet 140162, MedGen C0027672, MeSH D009386, MONDO:0015356.
Breast-ovarian cancer, familial, susceptibility to, 4. Identifiers: Orphanet 145, MedGen C3280345, MONDO:0013669, OMIM 614291.

Submissions (2):

Myriad Genetics, Inc.
Classification: Benign for Breast-ovarian cancer, familial, susceptibility to, 4. Last evaluated: 2025-02-24. Review status: criteria provided, single submitter. Criteria: Myriad Autosomal Dominant, Autosomal Recessive and X-Linked Classification Criteria (2023). Collection method: clinical testing. Allele origin: unknown.
Comment: This variant is considered benign. This variant is a silent/synonymous amino acid change and it is not expected to impact splicing.

Ambry Genetics
Classification: Likely benign for Hereditary cancer-predisposing syndrome. Last evaluated: 2020-11-12. Review status: criteria provided, single submitter. Criteria: Ambry Variant Classification Scheme 2023. Collection method: clinical testing. Allele origin: germline.

NM_002878.4(RAD51D):c.555C>T (p.Leu185=)

Genes: RAD51D (RAD51 paralog D; minus strand), RAD51L3-RFFL (RAD51L3-RFFL readthrough; minus strand). Cytogenetic location: 17q12.
Variant type: single nucleotide variant.
Coding change: c.555C>T on transcript NM_002878.4 (MANE Select); coding-DNA position 555, C replaced by T.
Protein change: p.Leu185=; no amino-acid change (leucine 185 retained).
Molecular consequence: synonymous variant. On other transcripts: non-coding transcript variant (3).
Genome position (GRCh38, 1-based): chr17:35,106,407, G>A on the plus strand (C>T on the coding strand, the complement: RAD51D is on the minus strand). VCF-style: chr17-35106407-G-A. GRCh37 (hg19) VCF-style: chr17-33433426-G-A.
Other names: c.615C>T, p.Leu205= (NM_001142571.2); c.219C>T, p.Leu73= (NM_133629.3).
Identifiers: ClinVar variation 1748283 (VCV001748283.3), dbSNP rs2142428984, ClinGen allele CA499731573.
Genomic context (GRCh38, chr17:35,106,407, plus strand): 5'-AGCTGAATTAAGCAAGGAGGGGCAGAACAGCAGGCTCACCTGCTGGGCCACAGTGCCTCG[G>A]AGCTCCTGCAGCACATCCAGCATCTGGAAGATGTCAAATGCATGCACCACCTGGATCCTC-3'
Protein context (NP_002869.3, residues 175-195): IFQMLDVLQE[Leu185=]RGTVAQQVTG